The following is an entry in ClinVar:

ClinVar aggregate classification (germline): Uncertain significance (1 of 4 stars; one submission).

Conditions:
Supravalvar aortic stenosis (SVAS). Also called: Supravalvar aortic stenosis, Eisenberg type. Identifiers: Orphanet 3193, MedGen C0003499, MONDO:0008504, OMIM 185500, HP:0004381.

Allele frequency attached by ClinVar (database versions not stated): TOPMed 0.00001; ExAC 0.00002.
gnomAD v4.1: 6 of 1,612,846 alleles (0.00037%); highest among the groups gnomAD compares: Non-Finnish European, 0.00051%; no homozygotes.

Submission:

Labcorp Genetics (formerly Invitae), Labcorp
Classification: Uncertain significance for Supravalvar aortic stenosis. Last evaluated: 2023-04-17. Review status: criteria provided, single submitter. Criteria: Invitae Variant Classification Sherloc (09022015). Collection method: clinical testing. Allele origin: germline.
Comment: This sequence change replaces alanine, which is neutral and non-polar, with glycine, which is neutral and non-polar, at codon 304 of the ELN protein (p.Ala304Gly). This variant is present in population databases (rs782120466, gnomAD 0.002%). This variant has not been reported in the literature in individuals affected with ELN-related conditions. Advanced modeling of protein sequence and biophysical properties (such as structural, functional, and spatial information, amino acid conservation, physicochemical variation, residue mobility, and thermodynamic stability) performed at Invitae indicates that this missense variant is not expected to disrupt ELN protein function. In summary, the available evidence is currently insufficient to determine the role of this variant in disease. Therefore, it has been classified as a Variant of Uncertain Significance.

NM_000501.4(ELN):c.911C>G (p.Ala304Gly)

Gene: ELN (elastin; plus strand). Cytogenetic location: 7q11.23.
Variant type: single nucleotide variant.
Coding change: c.911C>G on transcript NM_000501.4 (MANE Select); coding-DNA position 911, C replaced by G.
Protein change: p.Ala304Gly; replaces alanine 304 with glycine.
Molecular consequence: missense variant.
Genome position (GRCh38, 1-based): chr7:74,051,945, C>G. VCF-style: chr7-74051945-C-G. GRCh37 (hg19) VCF-style: chr7-73466275-C-G.
Other names: c.881C>G, p.Ala294Gly (NM_001081752.3, NM_001278917.2); c.926C>G, p.Ala309Gly (NM_001081753.3, NM_001081754.3); c.911C>G, p.Ala304Gly (NM_001081755.3, NM_001278912.2, NM_001278915.2 and 1 more transcripts); c.803C>G, p.Ala268Gly (NM_001278913.2); c.896C>G, p.Ala299Gly (NM_001278914.2); c.869C>G, p.Ala290Gly (NM_001278916.2); c.779C>G, p.Ala260Gly (NM_001278918.2); short protein forms A268G, A309G, A294G, A299G, A304G, A260G, A290G.
Identifiers: ClinVar variation 2741114 (VCV002741114.3), dbSNP rs782120466, ClinGen allele CA4292759.